The following is an entry in ClinVar:

NM_001042492.3(NF1):c.8497A>C (p.Asn2833His)

Gene: NF1 (neurofibromin 1; plus strand). Cytogenetic location: 17q11.2.
Variant type: single nucleotide variant.
Coding change: c.8497A>C on transcript NM_001042492.3 (MANE Select); coding-DNA position 8497, A replaced by C.
Protein change: p.Asn2833His; replaces asparagine 2833 with histidine.
Molecular consequence: missense variant.
Genome position (GRCh38, 1-based): chr17:31,374,132, A>C. VCF-style: chr17-31374132-A-C. GRCh37 (hg19) VCF-style: chr17-29701150-A-C.
Other names: c.8434A>C, p.Asn2812His (NM_000267.4); short protein forms N2812H, N2833H.
Identifiers: ClinVar variation 186327 (VCV000186327.16), dbSNP rs786202863, ClinGen allele CA194492.

ClinVar aggregate classification (germline): Conflicting classifications of pathogenicity. Review status: criteria provided, conflicting classifications (1 of 4 stars). 6 submissions from 5 submitters: Uncertain significance (4); Benign (1); Likely benign (1). Last evaluated 2025-12-08.

Conditions:
Hereditary cancer-predisposing syndrome. Also called: Hereditary Cancer Syndrome; Neoplastic Syndromes, Hereditary; Tumor predisposition; Hereditary neoplastic syndrome. Identifiers: Orphanet 140162, MedGen C0027672, MeSH D009386, MONDO:0015356.
Cardiovascular phenotype. Identifiers: MedGen CN230736.
Juvenile myelomonocytic leukemia (JMML). Also called: LEUKEMIA, JUVENILE MYELOMONOCYTIC, SOMATIC. Identifiers: Orphanet 86834, MedGen C0349639, MONDO:0011908, OMIM 607785, HP:0012209.
Neurofibromatosis, type 1 (NF1). Also called: NEUROFIBROMATOSIS, TYPE I, SOMATIC; VON RECKLINGHAUSEN DISEASE; Peripheral type neurofibromatosis; Neurofibromatosis, type I. Identifiers: Orphanet 636, MedGen C0027831, MONDO:0018975, OMIM 162200. Disease mechanism: loss of function.

Allele frequency attached by ClinVar (database versions not stated): gnomAD exomes below 0.00001; TOPMed 0.00001.
gnomAD v4.1: 5 of 1,614,090 alleles (0.00031%); highest among the groups gnomAD compares: Non-Finnish European, 0.00042%; no homozygotes.

Submissions (6):

Labcorp Genetics (formerly Invitae), Labcorp
Classification: Benign for Neurofibromatosis, type 1. Last evaluated: 2025-12-08. Review status: criteria provided, single submitter. Criteria: Invitae Variant Classification Sherloc (09022015). Collection method: clinical testing. Allele origin: germline.

Ambry Genetics
Classification: Likely benign for Cardiovascular phenotype; Hereditary cancer-predisposing syndrome. Last evaluated: 2023-12-21. Review status: criteria provided, single submitter. Criteria: Ambry Variant Classification Scheme 2023. Collection method: clinical testing. Allele origin: germline.

Baylor Genetics
Classification: Uncertain significance for Juvenile myelomonocytic leukemia. Last evaluated: 2023-08-18. Review status: criteria provided, single submitter. Criteria: ACMG Guidelines, 2015. Collection method: clinical testing. Allele origin: unknown.

Genome-Nilou Lab
Classification: Uncertain significance for Neurofibromatosis, type 1. Last evaluated: 2022-03-15. Review status: criteria provided, single submitter. Criteria: ACMG Guidelines, 2015. Collection method: clinical testing. Allele origin: germline. Affected: no.

GeneDx
Classification: Uncertain significance. Last evaluated: 2021-06-08. Review status: criteria provided, single submitter. Criteria: GeneDx Variant Classification Process June 2021. Collection method: clinical testing. Allele origin: germline. Affected: yes.
Comment: In silico analysis supports that this missense variant does not alter protein structure/function; Has not been previously published as pathogenic or benign to our knowledge; This variant is associated with the following publications: (PMID: 27535533)

Ambry Genetics
Classification: Uncertain significance for Hereditary cancer-predisposing syndrome. Last evaluated: 2015-12-12. Review status: criteria provided, single submitter. Criteria: Ambry Autosomal Dominant and X-Linked criteria (10/2015). Collection method: clinical testing. Allele origin: germline. Observed: 1 variant allele.
Comment: The p.N2833H variant (also known as c.8497A>C), located in coding exon 58 of the NF1 gene, results from an A to C substitution at nucleotide position 8497. The asparagine at codon 2833 is replaced by histidine, an amino acid with similar properties. This variant was not reported in population based cohorts in the following databases: Database of Single Nucleotide Polymorphisms (dbSNP), NHLBI Exome Sequencing Project (ESP), and 1000 Genomes Project. In the ESP, this variant was not observed in 6503 samples (13006 alleles) with coverage at this position. Ã¢â‚¬â€¹<span style="background-color:initial">To date, this alteration has been detected with an allele frequency of approximately 0.002% (greater than 110000 alleles tested) in our clinical cohort.<span style="background-color:initial">This amino acid position is w<span style="background-color:initial">ell conserved through most mammals, but histidine is the reference amino acid for several mammals and lower vertebrates.<span style="background-color:initial"> In addition, this alteration is predicted to be tolerated by in silico analysis.<span style="background-color:initial">Since supporting evidence is limited at this time, the clinical significance of p.N2833H remains unclear.